The following is an entry in ClinVar:

NM_000260.4(MYO7A):c.2850G>A (p.Leu950=)

Gene: MYO7A (myosin VIIA; plus strand). Cytogenetic location: 11q13.5.
Variant type: single nucleotide variant.
Coding change: c.2850G>A on transcript NM_000260.4 (MANE Select); coding-DNA position 2850, G replaced by A.
Protein change: p.Leu950=; no amino-acid change (leucine 950 retained).
Molecular consequence: synonymous variant.
Genome position (GRCh38, 1-based): chr11:77,181,535, G>A. VCF-style: chr11-77181535-G-A. GRCh37 (hg19) VCF-style: chr11-76892581-G-A.
Other names: c.2850G>A, p.Leu950= (NM_001127180.2); c.2817G>A, p.Leu939= (NM_001369365.1).
Identifiers: ClinVar variation 43191 (VCV000043191.11), dbSNP rs397516297, ClinGen allele CA132265.

ClinVar aggregate classification (germline): Likely benign. Review status: criteria provided, multiple submitters, no conflicts (2 of 4 stars). 4 submissions from 4 submitters: Likely benign (3). 1 of the submissions does not count toward it. Last evaluated 2026-01-11.

Conditions:
Autosomal recessive nonsyndromic hearing loss 2. Also called: DEAFNESS, AUTOSOMAL RECESSIVE 2; NEUROSENSORY NONSYNDROMIC RECESSIVE DEAFNESS 2. Identifiers: Orphanet 90636, MedGen C1838701, MONDO:0010807, OMIM 600060.
Usher syndrome type 1 (USH1). Also called: RETINITIS PIGMENTOSA AND CONGENITAL DEAFNESS. Identifiers: Orphanet 231169, Orphanet 886, MedGen C1568247, MONDO:0010168, OMIM 276900.

Allele frequency attached by ClinVar (database versions not stated): ExAC 0.00001; gnomAD 0.00001; gnomAD exomes 0.00001; TOPMed 0.00003.
gnomAD v4.1: 21 of 1,613,346 alleles (0.0013%); highest among the groups gnomAD compares: African/African-American, 0.017%; no homozygotes.

Submissions (4):

Labcorp Genetics (formerly Invitae), Labcorp
Classification: Likely benign. Last evaluated: 2026-01-11. Review status: criteria provided, single submitter. Criteria: Invitae Variant Classification Sherloc (09022015). Collection method: clinical testing. Allele origin: germline.

Blueprint Genetics
Classification: Likely benign. Last evaluated: 2024-05-30. Review status: criteria provided, single submitter. Criteria: ACMG Guidelines, 2015. Collection method: clinical testing. Allele origin: germline.

Laboratory for Molecular Medicine, Mass General Brigham Personalized Medicine
Classification: Likely benign. Last evaluated: 2010-09-16. Review status: criteria provided, single submitter. Criteria: LMM Criteria. Collection method: clinical testing. Allele origin: germline. Observed: 1 variant allele.
Comment: Leu950Leu in exon 23 of MYO7A: This variant is not expected to have clinical sig nificance because it does not alter an amino acid residue and is not located nea r a splice junction.

Counsyl
Classification: Likely benign for Usher syndrome type 1; Autosomal recessive nonsyndromic hearing loss 2. Last evaluated: 2017-05-23. Review status: no assertion criteria provided. Collection method: clinical testing. Allele origin: unknown. Not counted in ClinVar's aggregate classification.